The following is an entry in ClinVar:

NM_002241.5(KCNJ10):c.301C>A (p.Pro101Thr)

Gene: KCNJ10 (potassium inwardly rectifying channel subfamily J member 10; minus strand). Cytogenetic location: 1q23.2.
Variant type: single nucleotide variant.
Coding change: c.301C>A on transcript NM_002241.5 (MANE Select); coding-DNA position 301, C replaced by A.
Protein change: p.Pro101Thr; replaces proline 101 with threonine.
Molecular consequence: missense variant.
Genome position (GRCh38, 1-based): chr1:160,042,232, G>T on the plus strand (C>A on the coding strand, the complement: KCNJ10 is on the minus strand). VCF-style: chr1-160042232-G-T. GRCh37 (hg19) VCF-style: chr1-160012022-G-T.
Other names: p.P101T:CCC>ACC; p.Pro101Thr; short protein forms P101T.
Identifiers: ClinVar variation 205827 (VCV000205827.21), dbSNP rs375361490, ClinGen allele CA315280.

ClinVar aggregate classification (germline): Uncertain significance. Review status: criteria provided, multiple submitters, no conflicts (2 of 4 stars). 9 submissions from 8 submitters: Uncertain significance (9). Last evaluated 2026-05-26.

Conditions:
KCNJ10-related disorder. Also called: KCNJ10-related condition; KCNJ10-related disorders. Identifiers: MedGen CN239321.
Inborn genetic diseases. Identifiers: MedGen C0950123, MeSH D030342.
EAST syndrome (SESAMES). Also called: SEIZURES, SENSORINEURAL DEAFNESS, ATAXIA, IMPAIRED INTELLECTUAL DEVELOPMENT, AND ELECTROLYTE IMBALANCE. Identifiers: Orphanet 199343, MedGen C2748572, MONDO:0013005, OMIM 612780.
Autosomal recessive nonsyndromic hearing loss 4 (DFNB4). Also called: Nonsyndromic enlarged vestibular aqueduct (NSEVA); Deafness, autosomal recessive 4, with enlarged vestibular aqueduct; Deafness, autosomal recessive 4; NEUROSENSORY NONSYNDROMIC RECESSIVE DEAFNESS 4; FOXI1-Related Pendred Syndrome; KCNJ10-Related Pendred Syndrome. Identifiers: Orphanet 90636, MedGen C3538946, MONDO:0010933, OMIM 600791.

Allele frequency attached by ClinVar (database versions not stated): ESP Exome Variant Server 0.00008; TOPMed 0.00009; gnomAD 0.00011 and 0.00013; gnomAD exomes 0.00025; ExAC 0.00029; 1000 Genomes Project 30x 0.00031; 1000 Genomes Project 0.00040.
gnomAD v4.1: 265 of 1,613,826 alleles (0.016%); highest among the groups gnomAD compares: South Asian, 0.15%; 1 homozygote.

Submissions (9):

PreventionGenetics, part of Exact Sciences
Classification: Uncertain significance for KCNJ10-related condition. Last evaluated: 2026-05-26. Review status: criteria provided, single submitter. Criteria: ACMG Guidelines, 2015. Collection method: clinical testing. Allele origin: germline.
Comment: The KCNJ10 c.301C>A variant is predicted to result in the amino acid substitution p.Pro101Thr. To our knowledge, this variant has not been reported in the literature. This variant is reported in 0.14% of alleles in individuals of South Asian descent in gnomAD, which may be too frequent to be a primary cause of disease. Although we suspect that this variant may be benign, at this time, the clinical significance of this variant is uncertain due to the absence of conclusive functional and genetic evidence.

Labcorp Genetics (formerly Invitae), Labcorp
Classification: Uncertain significance for EAST syndrome. Last evaluated: 2026-01-26. Review status: criteria provided, single submitter. Criteria: Invitae Variant Classification Sherloc (09022015). Collection method: clinical testing. Allele origin: germline.
Comment: This sequence change replaces proline, which is neutral and non-polar, with threonine, which is neutral and polar, at codon 101 of the KCNJ10 protein (p.Pro101Thr). This variant is present in population databases (rs375361490, gnomAD 0.1%), including at least one homozygous and/or hemizygous individual. This variant has not been reported in the literature in individuals affected with KCNJ10-related conditions. ClinVar contains an entry for this variant (Variation ID: 205827). Invitae Evidence Modeling of protein sequence and biophysical properties (such as structural, functional, and spatial information, amino acid conservation, physicochemical variation, residue mobility, and thermodynamic stability) has been performed for this missense variant. However, the output from this modeling did not meet the statistical confidence thresholds required to predict the impact of this variant on KCNJ10 protein function. In summary, the available evidence is currently insufficient to determine the role of this variant in disease. Therefore, it has been classified as a Variant of Uncertain Significance.

Blueprint Genetics
Classification: Uncertain significance. Last evaluated: 2024-09-05. Review status: criteria provided, single submitter. Criteria: ACMG Guidelines, 2015. Collection method: clinical testing. Allele origin: germline.

Fulgent Genetics
Classification: Uncertain significance for Autosomal recessive nonsyndromic hearing loss 4; EAST syndrome. Last evaluated: 2024-01-22. Review status: criteria provided, single submitter. Criteria: ACMG Guidelines, 2015. Collection method: clinical testing. Allele origin: germline.

Mayo Clinic Laboratories, Mayo Clinic
Classification: Uncertain significance. Last evaluated: 2023-05-17. Review status: criteria provided, single submitter. Criteria: ACMG Guidelines, 2015. Collection method: clinical testing. Allele origin: germline. Observed: 2 variant alleles.
Comment: PM2

Illumina Laboratory Services, Illumina
Classification: Uncertain significance for Autosomal recessive nonsyndromic hearing loss 4. Last evaluated: 2018-01-12. Review status: criteria provided, single submitter. Criteria: ICSL Variant Classification Criteria 13 December 2019. Collection method: clinical testing. Allele origin: germline.

Illumina Laboratory Services, Illumina
Classification: Uncertain significance for EAST syndrome. Last evaluated: 2018-01-12. Review status: criteria provided, single submitter. Criteria: ICSL Variant Classification Criteria 13 December 2019. Collection method: clinical testing. Allele origin: germline.

Ambry Genetics
Classification: Uncertain significance for Inborn genetic diseases. Last evaluated: 2017-05-31. Review status: criteria provided, single submitter. Criteria: Ambry Variant Classification Scheme 2023. Collection method: clinical testing. Allele origin: germline.
Comment: The p.P101T variant (also known as c.301C>A), located in coding exon 1 of the KCNJ10 gene, results from a C to A substitution at nucleotide position 301. The proline at codon 101 is replaced by threonine, an amino acid with highly similar properties. This amino acid position is highly conserved in available vertebrate species. In addition, the in silico prediction for this alteration is inconclusive. Since supporting evidence is limited at this time, the clinical significance of this alteration remains unclear.

GeneDx
Classification: Uncertain significance. Last evaluated: 2016-05-27. Review status: criteria provided, single submitter. Criteria: GeneDx Variant Classification (06012015). Collection method: clinical testing. Allele origin: germline. Affected: yes.
Comment: The P101T variant has not been published as a pathogenic variant, nor has it been reported as a benign variant to our knowledge. The P101T variant was not observed with any significant frequency in approximately 6,500 individuals of European and African American ancestry in the NHLBI Exome Sequencing Project, but the 1000 Genomes Project reports it was observed in 2/978 (0.2%) alleles from individuals of South Asian background. The P101T variant is a non-conservative amino acid substitution, which is likely to impact secondary protein structure as these residues differ in polarity, charge, size and/or other properties. This substitution occurs at a position that is conserved across species. In silico analysis is inconsistent in its predictions as to whether or not the variant is damaging to the protein structure/function. Based on the currently available information, it is unclear whether this variant is a pathogenic variant or a rare benign variant.